The following is an entry in ClinVar:

ClinVar aggregate classification (germline): Likely pathogenic (1 of 4 stars; one submission).

Conditions:
Essential thrombocythemia. Also called: essential thrombocytemia; Suspected essential thromboythemia. Identifiers: Orphanet 3318, MedGen C0040028, MeSH D013920, MONDO:0005029.

Submission:

Dept of Medical Biology, Uskudar University
Classification: Likely pathogenic for Essential thrombocythemia. Last evaluated: 2026-09-23. Review status: criteria provided, single submitter. Criteria: Dept of Medical Biology Variant Classification. Collection method: research. Allele origin: unknown. Affected: yes. Observed: 1 variant allele.
Comment: PS1_moderate (by analogy): the frameshift generates the same neomorphic carboxy-terminus as the established pathogenic CALR type 1 and type 2 alleles (PMID:24325356; PMID:24325359). PM1: located in the exon 9 frameshift hotspot that generates the neomorphic carboxy-terminus. PM2_supporting: absent from gnomAD v4.1. PP4: carriers were JAK2 V617F-negative and referred for suspected myeloproliferative neoplasm, a phenotype highly specific for CALR-mutated disease. Classified as likely pathogenic under the ACMG/AMP 2015 guidelines (PMID:25741868). Detected in a retrospective series of 256 BCR::ABL1-negative and JAK2 V617F-negative patients referred for molecular investigation of a suspected myeloproliferative neoplasm (May 2007 to January 2015) and re-interpreted under the ACMG/AMP 2015 criteria.

Literature cited by the submitters: PubMed 24325356; PubMed 24325359.

NM_004343.4(CALR):c.1149_1154delinsTCCTTGTC (p.Glu383fs)

Gene: CALR (calreticulin; plus strand). Cytogenetic location: 19p13.13.
Variant type: Indel.
Coding change: c.1149_1154delinsTCCTTGTC on transcript NM_004343.4 (MANE Select); coding-DNA positions 1149 to 1154, GGACAA replaced by TCCTTGTC.
Protein change: p.Glu383fs; shifts the reading frame from glutamic acid 383.
Molecular consequence: frameshift variant.
Genome position (GRCh38, 1-based): chr19:12,943,808-12,943,813, GGACAA replaced by TCCTTGTC. VCF-style: chr19-12943808-GGACAA-TCCTTGTC. GRCh37 (hg19) VCF-style: chr19-13054622-GGACAA-TCCTTGTC.
Other names: short protein forms E383fs.
Identifiers: ClinVar variation 5036708 (VCV005036708.1).